The following is an entry in ClinVar:

NM_000169.3(GLA):c.346G>A (p.Gly116Arg)

Genes: GLA (galactosidase alpha; minus strand), RPL36A-HNRNPH2 (RPL36A-HNRNPH2 readthrough; plus strand). Cytogenetic location: Xq22.1.
Variant type: single nucleotide variant.
Coding change: c.346G>A on transcript NM_000169.3 (MANE Select); coding-DNA position 346, G replaced by A.
Protein change: p.Gly116Arg; replaces glycine 116 with arginine.
Molecular consequence: missense variant. On other transcripts: non-coding transcript variant (3), intron variant (2).
Genome position (GRCh38, 1-based): chrX:101,403,834, C>T on the plus strand (G>A on the coding strand, the complement: GLA is on the minus strand). VCF-style: chrX-101403834-C-T. GRCh37 (hg19) VCF-style: chrX-100658822-C-T.
Other names: c.469G>A, p.Gly157Arg (NM_001406747.1, NM_001406749.1); c.346G>A, p.Gly116Arg (NM_001406748.1); c.301-8102C>T (NM_001199973.2); c.178-8102C>T (NM_001199974.2); short protein forms G116R, G157R.
Identifiers: ClinVar variation 4087343 (VCV004087343.2).

ClinVar aggregate classification (germline): Uncertain significance (1 of 4 stars; one submission).

Conditions:
Fabry disease. Also called: ALPHA-GALACTOSIDASE A DEFICIENCY; ANDERSON-FABRY DISEASE; CERAMIDE TRIHEXOSIDASE DEFICIENCY; GLA DEFICIENCY; HEREDITARY DYSTOPIC LIPIDOSIS; Angiokeratoma corporis diffusum. Identifiers: Orphanet 324, MedGen C0002986, MONDO:0010526, OMIM 301500, HP:0001071. Disease mechanism: Fabry disease is due to inactivating mutations in the X-linked GLA gene resulting in deficiency of the enzyme Alpha Galactosidase-A., loss of function.

Submission:

Genomenon, Inc
Classification: Uncertain significance for Fabry disease. Last evaluated: 2026-09-08. Review status: criteria provided, single submitter. Criteria: Genomenon Sequence Variant Interpretation Standards - Updated. Collection method: curation. Allele origin: germline. Affected: yes.
Comment: GLA p.Gly116Arg (c.346G>A) is a missense variant that changes the amino acid at codon 116 from Glycine to Arginine. This variant has been observed in at least one proband with clinical features consistent with Fabry disease (PMID:37430370). Functional or patient cell studies have been reported (PMID:37430370). It is absent or not present at a significant frequency in gnomAD. In silico models predict that this variant is possibly or probably damaging. In conclusion, we classify GLA p.Gly116Arg (c.346G>A) as a variant of uncertain significance.

Literature cited by the submitters: PubMed 37430370.